The following is an entry in ClinVar:

ClinVar aggregate classification (germline): Likely benign. Review status: criteria provided, multiple submitters, no conflicts (2 of 4 stars). 4 submissions from 4 submitters: Likely benign (4). Last evaluated 2025-11-22.

Conditions:
Cardiovascular phenotype. Identifiers: MedGen CN230736.
Long QT syndrome (LQTS). Identifiers: MedGen C0023976, MeSH D008133, MONDO:0002442. Disease mechanism: loss of function. Inheritance: Various modes of inheritance.

Allele frequency attached by ClinVar (database versions not stated): gnomAD exomes 0.00009 and 0.00004; TOPMed 0.00005; gnomAD 0.00006 and 0.00007; ExAC 0.00007.
gnomAD v4.1: 72 of 1,613,730 alleles (0.0045%); highest among the groups gnomAD compares: East Asian, 0.053%; no homozygotes.

Submissions (4):

Labcorp Genetics (formerly Invitae), Labcorp
Classification: Likely benign for Long QT syndrome. Last evaluated: 2025-11-22. Review status: criteria provided, single submitter. Criteria: Invitae Variant Classification Sherloc (09022015). Collection method: clinical testing. Allele origin: germline.

Ambry Genetics
Classification: Likely benign for Cardiovascular phenotype. Last evaluated: 2024-06-11. Review status: criteria provided, single submitter. Criteria: Ambry Variant Classification Scheme 2023. Collection method: clinical testing. Allele origin: germline.

GeneDx
Classification: Likely benign. Last evaluated: 2020-10-28. Review status: criteria provided, single submitter. Criteria: GeneDx Variant Classification Process June 2021. Collection method: clinical testing. Allele origin: germline. Affected: yes.
Comment: This variant is associated with the following publications: (PMID: 29071820)

Women's Health and Genetics/Laboratory Corporation of America, LabCorp
Classification: Likely benign. Last evaluated: 2019-03-18. Review status: criteria provided, single submitter. Criteria: LabCorp Variant Classification Summary - May 2015. Collection method: clinical testing. Allele origin: germline.
Comment: Variant summary: ANK2 c.10322G>A (p.Arg3441Gln) results in a conservative amino acid change in the encoded protein sequence. Three of five in-silico tools predict a damaging effect of the variant on protein function. The variant allele was found at a frequency of 9.8e-05 in 276586 control chromosomes, predominantly at a frequency of 0.0011 within the East Asian subpopulation in the gnomAD database. The observed variant frequency within East Asian control individuals in the gnomAD database is approximately 110 fold of the estimated maximal expected allele frequency for a pathogenic variant in ANK2 causing Arrhythmia phenotype (1e-05), strongly suggesting that the variant is a benign polymorphism found primarily in populations of East Asian origin. The variant, c.10322G>A has been reported in the literature in an individual affected with catecholaminergic Polymorphic ventricular tachycardia (CPVT, Seo_2018). However, this report does not provide unequivocal conclusions about association of the variant with Arrhythmia. Co-occurrence with another pathogenic variant has been reported (RYR2 c.11995A>G, p.Met3999Val), for this variant in a patient that has CPTV, providing supporting evidence for a benign role. To our knowledge, no experimental evidence demonstrating an impact on protein function has been reported. No clinical diagnostic laboratories have submitted clinical-significance assessments for this variant to ClinVar after 2014. Based on the evidence outlined above, the variant was classified as likely benign.

Literature cited by the submitters: PubMed 29071820 (cited by Women's Health and Genetics/Laboratory Corporation of America, LabCorp).

NM_001148.6(ANK2):c.10322G>A (p.Arg3441Gln)

Gene: ANK2 (ankyrin 2; plus strand). Cytogenetic location: 4q26.
Variant type: single nucleotide variant.
Coding change: c.10322G>A on transcript NM_001148.6 (MANE Select); coding-DNA position 10322, G replaced by A.
Protein change: p.Arg3441Gln; replaces arginine 3441 with glutamine.
Molecular consequence: missense variant. On other transcripts: intron variant (68).
Genome position (GRCh38, 1-based): chr4:113,358,940, G>A. VCF-style: chr4-113358940-G-A. GRCh37 (hg19) VCF-style: chr4-114280096-G-A.
Other names: c.10088G>A, p.Arg3363Gln (NM_001386142.1); c.6722G>A, p.Arg2241Gln (NM_001386166.1); c.10463G>A, p.Arg3488Gln (NM_001386174.1); c.10439G>A, p.Arg3480Gln (NM_001386175.1); c.4412-1883G>A (NM_001386186.2, NM_001386148.2); c.4214-1883G>A (NM_001354269.3); c.4292-1883G>A (NM_001386187.2); c.4253-1883G>A (NM_001386147.1); and 35 more; short protein forms R3441Q, R2241Q, R3363Q, R3480Q, R3488Q.
Identifiers: ClinVar variation 698458 (VCV000698458.14), dbSNP rs772954896, ClinGen allele CA3052055.
Genomic context (GRCh38, chr4:113,358,940, plus strand): 5'-CCGAGGAACTTGAGTTAGAATCAGAAGAAGGGGCCACAAGACCAAAGATACTTACATCCC[G>A]ATTGCCAGTTAAGAGCAGAAGCACTACATCTTCCTGCAGGGGGGGCACGAGCCCCACAAA-3'
Protein context (NP_001139.3, residues 3431-3451): GATRPKILTS[Arg3441Gln]LPVKSRSTTS